The following is an entry in ClinVar:

NM_000383.4(AIRE):c.1151C>T (p.Pro384Leu)

Gene: AIRE (autoimmune regulator; plus strand). Cytogenetic location: 21q22.3.
Variant type: single nucleotide variant.
Coding change: c.1151C>T on transcript NM_000383.4 (MANE Select); coding-DNA position 1151, C replaced by T.
Protein change: p.Pro384Leu; replaces proline 384 with leucine.
Molecular consequence: missense variant.
Genome position (GRCh38, 1-based): chr21:44,293,048, C>T. VCF-style: chr21-44293048-C-T. GRCh37 (hg19) VCF-style: chr21-45712931-C-T.
Other names: short protein forms P384L.
Identifiers: ClinVar variation 1037599 (VCV001037599.6), dbSNP rs1469479088, ClinGen allele CA410425358.

ClinVar aggregate classification (germline): Uncertain significance (1 of 4 stars; one submission).

Conditions:
Polyglandular autoimmune syndrome, type 1 (APS1). Also called: PGA I; AUTOIMMUNE POLYENDOCRINE SYNDROME, TYPE I, WITH OR WITHOUT REVERSIBLE METAPHYSEAL DYSPLASIA; Autoimmune polyendocrine syndrome type 1; HYPOADRENOCORTICISM WITH HYPOPARATHYROIDISM AND SUPERFICIAL MONILIASIS; Autoimmune polyendocrinopathy syndrome, type I; APS I. Identifiers: Orphanet 3453, MedGen C0085859, MONDO:0009411, OMIM 240300.

Allele frequency attached by ClinVar (database versions not stated): gnomAD exomes below 0.00001.

Submission:

Labcorp Genetics (formerly Invitae), Labcorp
Classification: Uncertain significance for Polyglandular autoimmune syndrome, type 1. Last evaluated: 2021-08-20. Review status: criteria provided, single submitter. Criteria: Invitae Variant Classification Sherloc (09022015). Collection method: clinical testing. Allele origin: germline.
Comment: This sequence change replaces proline with leucine at codon 384 of the AIRE protein (p.Pro384Leu). The proline residue is moderately conserved and there is a moderate physicochemical difference between proline and leucine. This variant is not present in population databases (ExAC no frequency). This variant has not been reported in the literature in individuals affected with AIRE-related conditions. Algorithms developed to predict the effect of missense changes on protein structure and function output the following: SIFT: "Tolerated"; PolyPhen-2: "Benign"; Align-GVGD: "Class C0". The leucine amino acid residue is found in multiple mammalian species, which suggests that this missense change does not adversely affect protein function. In summary, the available evidence is currently insufficient to determine the role of this variant in disease. Therefore, it has been classified as a Variant of Uncertain Significance.